The following is an entry in ClinVar:

NM_001375405.1(CEP120):c.1431-9_1431-7del

Gene: CEP120 (centrosomal protein 120; minus strand). Cytogenetic location: 5q23.2.
Variant type: Deletion.
Coding change: c.1431-9_1431-7del on transcript NM_001375405.1 (MANE Select); 9 bases into the intron before coding-DNA position 1431 through 7 bases into the intron before coding-DNA position 1431, 3 bases deleted (AAA; older notation c.1431-9_1431-7delAAA).
Molecular consequence: intron variant.
Genome position (GRCh38, 1-based): chr5:123,386,674-123,386,676, TTT deleted on the plus strand (AAA on the coding strand, the reverse complement: CEP120 is on the minus strand). VCF-style (leftmost placement, unchanged base first): chr5-123386673-ATTT-A. GRCh37 (hg19) VCF-style: chr5-122722367-ATTT-A.
Other names: c.1431-9_1431-7delAAA (NM_153223.3); c.1353-9_1353-7del (NM_001166226.2); c.1431-9_1431-7del (NM_153223.4, NM_001375407.1); c.858-9_858-7del (NM_001375408.1, NM_001375409.1); c.1296-9_1296-7del (NM_001375406.1).
Identifiers: ClinVar variation 1951395 (VCV001951395.6), dbSNP rs746167728, ClinGen allele CA3386959.
Genomic context (GRCh38, chr5:123,386,673, plus strand): 5'-TACAGGAGGATTAGTCATAATAGGAGCTGCACTTCCAAAGAATGGATATGAGTACCTAGA[ATTT>A]AAAAAAAAAAAAAAAAAAAAAAGCCTTAATGATATGGTTTACAGATGACATTCAGTCTGT-3'

ClinVar aggregate classification (germline): Likely benign. Review status: criteria provided, single submitter (1 of 4 stars). 2 submissions from 2 submitters: Likely benign (1). 1 of the submissions does not count toward it. Last evaluated 2025-12-30.

Conditions:
Short-rib thoracic dysplasia 13 with or without polydactyly (SRTD13). Identifiers: Orphanet 474, MedGen C4225378, MONDO:0014577, OMIM 616300.
CEP120-related disorder. Also called: CEP120-related condition; CEP120-Related Disorders.

Allele frequency attached by ClinVar (database versions not stated): gnomAD 0.00105; ExAC 0.00009; gnomAD exomes 0.00017.

Submissions (2):

Labcorp Genetics (formerly Invitae), Labcorp
Classification: Likely benign for Short-rib thoracic dysplasia 13 with or without polydactyly. Last evaluated: 2025-12-30. Review status: criteria provided, single submitter. Criteria: Invitae Variant Classification Sherloc (09022015). Collection method: clinical testing. Allele origin: germline.

PreventionGenetics, part of Exact Sciences
Classification: Benign for CEP120-related condition. Last evaluated: 2024-04-16. Review status: no assertion criteria provided. Collection method: clinical testing. Allele origin: germline. Not counted in ClinVar's aggregate classification.
Comment: This variant is classified as benign based on ACMG/AMP sequence variant interpretation guidelines (Richards et al. 2015 PMID: 25741868, with internal and published modifications).